The following is an entry in ClinVar:

ClinVar aggregate classification (germline): Pathogenic (1 of 4 stars; one submission).

Conditions:
Telangiectasia, hereditary hemorrhagic, type 2 (HHT2). Also called: Telangiectasia, hereditary hemorrhagic, type II; ACVRL1-Related Hereditary Hemorrhagic Telangiectasia. Identifiers: Orphanet 774, MedGen C1838163, MONDO:0010880, OMIM 600376. Disease mechanism: loss of function.

Submission:

Labcorp Genetics (formerly Invitae), Labcorp
Classification: Pathogenic for Telangiectasia, hereditary hemorrhagic, type 2. Last evaluated: 2023-02-27. Review status: criteria provided, single submitter. Criteria: Invitae Variant Classification Sherloc (09022015). Collection method: clinical testing. Allele origin: germline.
Comment: For these reasons, this variant has been classified as Pathogenic. This variant has not been reported in the literature in individuals affected with ACVRL1-related conditions. This variant is not present in population databases (gnomAD no frequency). This sequence change creates a premature translational stop signal (p.Asp263Glufs*2) in the ACVRL1 gene. It is expected to result in an absent or disrupted protein product. Loss-of-function variants in ACVRL1 are known to be pathogenic (PMID: 15879500).

Literature cited by the submitters: PubMed 15879500.

NM_000020.3(ACVRL1):c.789del (p.Asp263fs)

Gene: ACVRL1 (activin A receptor like type 1; plus strand). Cytogenetic location: 12q13.13.
Variant type: Deletion.
Coding change: c.789del on transcript NM_000020.3 (MANE Select); coding-DNA position 789, one base deleted (C; older notation c.789delC).
Protein change: p.Asp263fs; shifts the reading frame from aspartic acid 263.
Molecular consequence: frameshift variant.
Genome position (GRCh38, 1-based): chr12:51,915,241, C deleted. VCF-style (leftmost placement, unchanged base first): chr12-51915240-AC-A. GRCh37 (hg19) VCF-style: chr12-52309024-AC-A.
Other names: c.789del, p.Asp263fs (NM_001077401.2, NM_001406487.1, NM_001406488.1 and 1 more transcripts); c.477del, p.Asp159fs (NM_001406490.1, NM_001406491.1, NM_001406492.1 and 2 more transcripts); c.225del, p.Asp75fs (NM_001406495.1); short protein forms D159fs, D75fs, D263fs.
Identifiers: ClinVar variation 2841312 (VCV002841312.3), dbSNP rs2540164081, ClinGen allele CA2739272047.